The following is an entry in ClinVar:

ClinVar aggregate classification (germline): Uncertain significance (1 of 4 stars; one submission).

Conditions:
Early-infantile DEE. Also called: Early infantile epileptic encephalopathy; Early infantile epileptic encephalopathy with suppression bursts; Ohtahara syndrome. Identifiers: Orphanet 1934, MedGen C0393706, MONDO:0800491.

gnomAD v4.1: 1 of 1,320,450 alleles (0.000076%); highest among the groups gnomAD compares: African/African-American, 0.0015%; no homozygotes.

Submission:

Labcorp Genetics (formerly Invitae), Labcorp
Classification: Uncertain significance for Early-infantile DEE. Last evaluated: 2023-02-14. Review status: criteria provided, single submitter. Criteria: Invitae Variant Classification Sherloc (09022015). Collection method: clinical testing. Allele origin: germline.
Comment: In summary, the available evidence is currently insufficient to determine the role of this variant in disease. Therefore, it has been classified as a Variant of Uncertain Significance. Advanced modeling of protein sequence and biophysical properties (such as structural, functional, and spatial information, amino acid conservation, physicochemical variation, residue mobility, and thermodynamic stability) performed at Invitae indicates that this missense variant is not expected to disrupt HCN1 protein function. This variant has not been reported in the literature in individuals affected with HCN1-related conditions. This variant is not present in population databases (gnomAD no frequency). This sequence change replaces alanine, which is neutral and non-polar, with serine, which is neutral and polar, at codon 23 of the HCN1 protein (p.Ala23Ser).

NM_021072.4(HCN1):c.67G>T (p.Ala23Ser)

Gene: HCN1 (hyperpolarization activated cyclic nucleotide gated potassium channel 1; minus strand). Cytogenetic location: 5p12.
Variant type: single nucleotide variant.
Coding change: c.67G>T on transcript NM_021072.4 (MANE Select); coding-DNA position 67, G replaced by T.
Protein change: p.Ala23Ser; replaces alanine 23 with serine.
Molecular consequence: missense variant.
Genome position (GRCh38, 1-based): chr5:45,696,027, C>A on the plus strand (G>T on the coding strand, the complement: HCN1 is on the minus strand). VCF-style: chr5-45696027-C-A. GRCh37 (hg19) VCF-style: chr5-45696129-C-A.
Other names: short protein forms A23S.
Identifiers: ClinVar variation 2837155 (VCV002837155.3), dbSNP rs1740006250, ClinGen allele CA359706811.